The following is an entry in ClinVar:

NM_001244008.2(KIF1A):c.1406C>A (p.Ala469Asp)

Gene: KIF1A (kinesin family member 1A; minus strand). Cytogenetic location: 2q37.3.
Variant type: single nucleotide variant.
Coding change: c.1406C>A on transcript NM_001244008.2 (MANE Select); coding-DNA position 1406, C replaced by A.
Protein change: p.Ala469Asp; replaces alanine 469 with aspartic acid.
Molecular consequence: missense variant.
Genome position (GRCh38, 1-based): chr2:240,769,642, G>T on the plus strand (C>A on the coding strand, the complement: KIF1A is on the minus strand). VCF-style: chr2-240769642-G-T. GRCh37 (hg19) VCF-style: chr2-241709059-G-T.
Other names: c.1406C>A, p.Ala469Asp (NM_001320705.2, NM_001330289.2, NM_001379638.1); c.1481C>A, p.Ala494Asp (NM_001330290.2, NM_001379631.1, NM_001379634.1 and 2 more transcripts); c.1379C>A, p.Ala460Asp (NM_001379632.1, NM_001379633.1, NM_001379636.1 and 10 more transcripts); c.1454C>A, p.Ala485Asp (NM_001379637.1, NM_001379648.1); short protein forms A469D, A494D, A460D, A485D.
Identifiers: ClinVar variation 4786784 (VCV004786784.1).
Genomic context (GRCh38, chr2:240,769,642, plus strand): 5'-CTGGCTGCACCCCTCCCCCTGGGCCTCAGTTTCCCCGCTGCACACCTCTCCATCCGGATG[G>T]CTTCTGTCCGCCGCAGCTTCTCCTCCCAGGTCTCATTGAGCTCAGCTATGATCTTCTCTG-3'
Protein context (NP_001230937.1, residues 459-479): TWEEKLRRTE[Ala469Asp]IRMEREALLA

ClinVar aggregate classification (germline): Uncertain significance (1 of 4 stars; one submission).

Conditions:
Neuropathy, hereditary sensory, type 2C. Also called: KIF1A-Related HSAN2 (HSAN2C); Hereditary sensory and autonomic neuropathy type IIC. Identifiers: Orphanet 970, MedGen C3280168, MONDO:0013634, OMIM 614213.
Hereditary spastic paraplegia 30. Identifiers: Orphanet 101010, MedGen C5235139, MONDO:0012476.
Intellectual disability, autosomal dominant 9 (NESCAVS). Also called: KIF1A-Related Neurodevelopmental Disorder; NESCAV SYNDROME. Identifiers: Orphanet 662367, MedGen C5393830, MONDO:0013656, OMIM 614255.

Submission:

Labcorp Genetics (formerly Invitae), Labcorp
Classification: Uncertain significance for Hereditary spastic paraplegia 30; Neuropathy, hereditary sensory, type 2C; Intellectual disability, autosomal dominant 9. Last evaluated: 2025-06-14. Review status: criteria provided, single submitter. Criteria: Invitae Variant Classification Sherloc (09022015). Collection method: clinical testing. Allele origin: germline.
Comment: This sequence change replaces alanine, which is neutral and non-polar, with aspartic acid, which is acidic and polar, at codon 460 of the KIF1A protein (p.Ala460Asp). This variant is not present in population databases (gnomAD no frequency). This variant has not been reported in the literature in individuals affected with KIF1A-related conditions. Invitae Evidence Modeling of protein sequence and biophysical properties (such as structural, functional, and spatial information, amino acid conservation, physicochemical variation, residue mobility, and thermodynamic stability) indicates that this missense variant is expected to disrupt KIF1A protein function with a positive predictive value of 95%. In summary, the available evidence is currently insufficient to determine the role of this variant in disease. Therefore, it has been classified as a Variant of Uncertain Significance.